The following is an entry in ClinVar:

ClinVar aggregate classification (germline): Uncertain significance (1 of 4 stars; one submission).

Conditions:
Gnathodiaphyseal dysplasia (GDD). Also called: GNATHODIAPHYSEAL SCLEROSIS; OSTEOGENESIS IMPERFECTA WITH UNUSUAL SKELETAL LESIONS. Identifiers: Orphanet 53697, MedGen C1833736, MONDO:0008151, OMIM 166260.
Autosomal recessive limb-girdle muscular dystrophy type 2L (LGMDR12). Also called: Limb-girdle muscular dystrophy, type 2L; Limb-Girdle Muscular Dystrophy R12 Anoctamin-5-Related (LGMD-R12); MUSCULAR DYSTROPHY, LIMB-GIRDLE, AUTOSOMAL RECESSIVE 12. Identifiers: Orphanet 206549, MedGen C1969785, MONDO:0012652, OMIM 611307.

Submission:

Labcorp Genetics (formerly Invitae), Labcorp
Classification: Uncertain significance for Autosomal recessive limb-girdle muscular dystrophy type 2L; Gnathodiaphyseal dysplasia. Last evaluated: 2019-06-09. Review status: criteria provided, single submitter. Criteria: Invitae Variant Classification Sherloc (09022015). Collection method: clinical testing. Allele origin: germline.
Comment: This variant has not been reported in the literature in individuals with ANO5-related conditions. This sequence change replaces glutamic acid with lysine at codon 312 of the ANO5 protein (p.Glu312Lys). The glutamic acid residue is highly conserved and there is a small physicochemical difference between glutamic acid and lysine. This variant is not present in population databases (ExAC no frequency). Algorithms developed to predict the effect of missense changes on protein structure and function (SIFT, PolyPhen-2, Align-GVGD) all suggest that this variant is likely to be tolerated, but these predictions have not been confirmed by published functional studies and their clinical significance is uncertain. In summary, the available evidence is currently insufficient to determine the role of this variant in disease. Therefore, it has been classified as a Variant of Uncertain Significance.

NM_213599.3(ANO5):c.934G>A (p.Glu312Lys)

Gene: ANO5 (anoctamin 5; plus strand). Cytogenetic location: 11p14.3.
Variant type: single nucleotide variant.
Coding change: c.934G>A on transcript NM_213599.3 (MANE Select); coding-DNA position 934, G replaced by A.
Protein change: p.Glu312Lys; replaces glutamic acid 312 with lysine.
Molecular consequence: missense variant.
Genome position (GRCh38, 1-based): chr11:22,250,292, G>A. VCF-style: chr11-22250292-G-A. GRCh37 (hg19) VCF-style: chr11-22271838-G-A.
Other names: c.931G>A, p.Glu311Lys (NM_001142649.2); short protein forms E312K, E311K.
Identifiers: ClinVar variation 937892 (VCV000937892.10), dbSNP rs1853761986, ClinGen allele CA379920756.